The following is an entry in ClinVar:

ClinVar aggregate classification (germline): Uncertain significance (1 of 4 stars; one submission).

Allele frequency attached by ClinVar (database versions not stated): gnomAD exomes below 0.00001; TOPMed below 0.00001; ExAC 0.00001.
gnomAD v4.1: 4 of 1,379,364 alleles (0.00029%); highest among the groups gnomAD compares: Non-Finnish European, 0.00029%; no homozygotes.

Submission:

GeneDx
Classification: Uncertain significance. Last evaluated: 2023-03-29. Review status: criteria provided, single submitter. Criteria: GeneDx Variant Classification Process June 2021. Collection method: clinical testing. Allele origin: germline. Affected: yes.
Comment: Canonical splice site variant expected to result in aberrant splicing, although in the absence of functional evidence the actual effect of this sequence change is unknown.; Has not been previously published as pathogenic or benign to our knowledge

NM_021224.6(ZNF462):c.7313+1G>A

Genes: ZNF462 (zinc finger protein 462; plus strand), LOC340512 (uncharacterized LOC340512; minus strand). Cytogenetic location: 9q31.2.
Variant type: single nucleotide variant.
Coding change: c.7313+1G>A on transcript NM_021224.6 (MANE Select); the canonical splice donor site of the intron after coding-DNA position 7313, G replaced by A.
Molecular consequence: splice donor variant.
Genome position (GRCh38, 1-based): chr9:107,009,669, G>A. VCF-style: chr9-107009669-G-A. GRCh37 (hg19) VCF-style: chr9-109771950-G-A.
Other names: c.4718+1G>A (NM_001347997.2).
Identifiers: ClinVar variation 2581935 (VCV002581935.1), dbSNP rs774752452, ClinGen allele CA5172465.